The following is an entry in ClinVar:

NM_182548.4(LHFPL5):c.*512A>T

Gene: LHFPL5 (LHFPL tetraspan subfamily member 5; plus strand). Cytogenetic location: 6p21.31.
Variant type: single nucleotide variant.
Coding change: c.*512A>T on transcript NM_182548.4 (MANE Select); 512 bases downstream of the stop codon, A replaced by T.
Molecular consequence: 3 prime UTR variant.
Genome position (GRCh38, 1-based): chr6:35,823,477, A>T. VCF-style: chr6-35823477-A-T. GRCh37 (hg19) VCF-style: chr6-35791254-A-T.
Identifiers: ClinVar variation 356541 (VCV000356541.5), dbSNP rs149225394, ClinGen allele CA10623753.
Genomic context (GRCh38, chr6:35,823,477, plus strand): 5'-ACACACACATACATACACACACACATATATATACACACACACACACACACACACACACAC[A>T]CTCTCTCTCTCTCTCAAACACACACAAATGCCCAACCAGCTCTAAGAGGGCACTGAAGAG-3'

ClinVar aggregate classification (germline): Benign (1 of 4 stars; one submission).

Conditions:
Autosomal recessive nonsyndromic hearing loss 67. Identifiers: Orphanet 90636, MedGen C1853223, MONDO:0012460, OMIM 610265.

Allele frequency attached by ClinVar (database versions not stated): gnomAD 0.32164; 1000 Genomes Project 0.35343.

Submission:

Illumina Laboratory Services, Illumina
Classification: Benign for Autosomal recessive nonsyndromic hearing loss 67. Last evaluated: 2018-01-12. Review status: criteria provided, single submitter. Criteria: ICSL Variant Classification Criteria 13 December 2019. Collection method: clinical testing. Allele origin: germline.
Comment: This variant was observed in the ICSL laboratory as part of a predisposition screen in an ostensibly healthy population. It had not been previously curated by ICSL or reported in the Human Gene Mutation Database (HGMD: prior to June 1st, 2018), and was therefore a candidate for classification through an automated scoring system. Utilizing variant allele frequency, disease prevalence and penetrance estimates, and inheritance mode, an automated score was calculated to assess if this variant is too frequent to cause the disease. Based on the score and internal cut-off values, a variant classified as benign is not then subjected to further curation. The score for this variant resulted in a classification of benign for this disease.